The following is an entry in ClinVar:

NM_022081.6(HPS4):c.15C>T (p.Thr5=)

Gene: HPS4 (HPS4 biogenesis of lysosomal organelles complex 3 subunit 2; minus strand). Cytogenetic location: 22q12.1.
Variant type: single nucleotide variant.
Coding change: c.15C>T on transcript NM_022081.6 (MANE Select); coding-DNA position 15, C replaced by T.
Protein change: p.Thr5=; no amino-acid change (threonine 5 retained).
Molecular consequence: synonymous variant. On other transcripts: non-coding transcript variant (7).
Genome position (GRCh38, 1-based): chr22:26,481,748, G>A on the plus strand (C>T on the coding strand, the complement: HPS4 is on the minus strand). VCF-style: chr22-26481748-G-A. GRCh37 (hg19) VCF-style: chr22-26877714-G-A.
Other names: c.15C>T, p.Thr5= (NM_001349896.1, NM_001349898.2, NM_001349899.2 and 6 more transcripts).
Identifiers: ClinVar variation 341024 (VCV000341024.17), dbSNP rs144622501, ClinGen allele CA10163867.

ClinVar aggregate classification (germline): Benign/Likely benign. Review status: criteria provided, multiple submitters, no conflicts (2 of 4 stars). 5 submissions from 5 submitters: Benign (1); Likely benign (3). 1 of the submissions does not count toward it. Last evaluated 2026-01-25.

Conditions:
HPS4-related disorder. Also called: HPS4-related condition.
Hermansky-Pudlak syndrome 4 (HPS4). Identifiers: Orphanet 231500, Orphanet 79430, MedGen C3484357, MONDO:0013556, OMIM 614073.

Allele frequency attached by ClinVar (database versions not stated): gnomAD exomes 0.00014 and 0.00042; ExAC 0.00061; 1000 Genomes Project 30x 0.00125; 1000 Genomes Project 0.00140; gnomAD 0.00179 and 0.00193; TOPMed 0.00192; ESP Exome Variant Server 0.00300.
gnomAD v4.1: 479 of 1,614,174 alleles (0.03%); highest among the groups gnomAD compares: African/African-American, 0.59%; 1 homozygote.

Submissions (5):

Labcorp Genetics (formerly Invitae), Labcorp
Classification: Benign. Last evaluated: 2026-01-25. Review status: criteria provided, single submitter. Criteria: Invitae Variant Classification Sherloc (09022015). Collection method: clinical testing. Allele origin: germline.

Blueprint Genetics
Classification: Likely benign. Last evaluated: 2024-11-26. Review status: criteria provided, single submitter. Criteria: ACMG Guidelines, 2015. Collection method: clinical testing. Allele origin: germline.

Illumina Laboratory Services, Illumina
Classification: Likely benign for Hermansky-Pudlak syndrome 4. Last evaluated: 2018-01-12. Review status: criteria provided, single submitter. Criteria: ICSL Variant Classification Criteria 13 December 2019. Collection method: clinical testing. Allele origin: germline.
Comment: This variant was observed in the ICSL laboratory as part of a predisposition screen in an ostensibly healthy population. It had not been previously curated by ICSL or reported in the Human Gene Mutation Database (HGMD: prior to June 1st, 2018), and was therefore a candidate for classification through an automated scoring system. Utilizing variant allele frequency, disease prevalence and penetrance estimates, and inheritance mode, an automated score was calculated to assess if this variant is too frequent to cause the disease. Based on the score and internal cut-off values, a variant classified as likely benign is not then subjected to further curation. The score for this variant resulted in a classification of likely benign for this disease.

Breakthrough Genomics
Classification: Likely benign. Review status: criteria provided, single submitter. Criteria: ACMG Guidelines, 2015. Collection method: not provided. Allele origin: germline. Inheritance: Autosomal recessive inheritance. Affected: yes.

PreventionGenetics, part of Exact Sciences
Classification: Likely benign for HPS4-related condition. Last evaluated: 2019-07-31. Review status: no assertion criteria provided. Collection method: clinical testing. Allele origin: germline. Not counted in ClinVar's aggregate classification.
Comment: This variant is classified as likely benign based on ACMG/AMP sequence variant interpretation guidelines (Richards et al. 2015 PMID: 25741868, with internal and published modifications).